The following is an entry in ClinVar:

ClinVar aggregate classification (germline): Uncertain significance (1 of 4 stars; one submission).

Submission:

Labcorp Genetics (formerly Invitae), Labcorp
Classification: Uncertain significance. Last evaluated: 2025-05-16. Review status: criteria provided, single submitter. Criteria: Invitae Variant Classification Sherloc (09022015). Collection method: clinical testing. Allele origin: germline.
Comment: This sequence change replaces leucine, which is neutral and non-polar, with valine, which is neutral and non-polar, at codon 239 of the PLXNA3 protein (p.Leu239Val). This variant is not present in population databases (gnomAD no frequency). This variant has not been reported in the literature in individuals affected with PLXNA3-related conditions. Invitae Evidence Modeling of protein sequence and biophysical properties (such as structural, functional, and spatial information, amino acid conservation, physicochemical variation, residue mobility, and thermodynamic stability) indicates that this missense variant is not expected to disrupt PLXNA3 protein function with a negative predictive value of 80%. In summary, the available evidence is currently insufficient to determine the role of this variant in disease. Therefore, it has been classified as a Variant of Uncertain Significance.

NM_017514.5(PLXNA3):c.715C>G (p.Leu239Val)

Gene: PLXNA3 (plexin A3; plus strand). Cytogenetic location: Xq28.
Variant type: single nucleotide variant.
Coding change: c.715C>G on transcript NM_017514.5 (MANE Select); coding-DNA position 715, C replaced by G.
Protein change: p.Leu239Val; replaces leucine 239 with valine.
Molecular consequence: missense variant.
Genome position (GRCh38, 1-based): chrX:154,461,219, C>G. VCF-style: chrX-154461219-C-G. GRCh37 (hg19) VCF-style: chrX-153689559-C-G.
Other names: short protein forms L239V.
Identifiers: ClinVar variation 4746931 (VCV004746931.1).
Genomic context (GRCh38, chrX:154,461,219, plus strand): 5'-TACCCTGCCTTTGACATCTACTACATCTACGGCTTCGTCAGCGCCTCCTTCGTGTACTTC[C>G]TGACGCTGCAGCTGGACACCCAGCAGACGCTGTTGGACACAGCGGGCGAGAAATTTTTCA-3'
Protein context (NP_059984.3, residues 229-249): GFVSASFVYF[Leu239Val]TLQLDTQQTL